The following is an entry in ClinVar:

NM_001042492.3(NF1):c.6464_6465del (p.Glu2155fs)

Gene: NF1 (neurofibromin 1; plus strand). Cytogenetic location: 17q11.2.
Variant type: Microsatellite.
Coding change: c.6464_6465del on transcript NM_001042492.3 (MANE Select); coding-DNA positions 6464 to 6465, 2 bases deleted (AG; older notation c.6464_6465delAG).
Protein change: p.Glu2155fs; shifts the reading frame from glutamic acid 2155.
Molecular consequence: frameshift variant.
Genome position (GRCh38, 1-based): chr17:31,337,404-31,337,405, AG deleted; deleting any 2 consecutive bases within chr17:31,337,402-31,337,405 gives the same sequence; the c. name uses the placement nearest the transcript's 3' end. VCF-style (leftmost placement, unchanged base first): chr17-31337401-CAG-C. GRCh37 (hg19) VCF-style: chr17-29664419-CAG-C.
Other names: c.6464_6465delAG (NM_001042492.2); c.6399_6400AG[1], p.Glu2134Valfs (NM_000267.4); short protein forms E2155fs, E2134fs.
Identifiers: ClinVar variation 2124503 (VCV002124503.5), dbSNP rs2508753088, ClinGen allele CA2580614097.

ClinVar aggregate classification (germline): Pathogenic. Review status: criteria provided, multiple submitters, no conflicts (2 of 4 stars). 2 submissions from 2 submitters: Pathogenic (2). Last evaluated 2025-03-25.

Conditions:
Neurofibromatosis, type 1 (NF1). Also called: Peripheral type neurofibromatosis; NEUROFIBROMATOSIS, TYPE I, SOMATIC; Neurofibromatosis, type I; VON RECKLINGHAUSEN DISEASE. Identifiers: Orphanet 636, MedGen C0027831, MONDO:0018975, OMIM 162200. Disease mechanism: loss of function.

Submissions (2):

Labcorp Genetics (formerly Invitae), Labcorp
Classification: Pathogenic for Neurofibromatosis, type 1. Last evaluated: 2025-03-25. Review status: criteria provided, single submitter. Criteria: Invitae Variant Classification Sherloc (09022015). Collection method: clinical testing. Allele origin: germline.
Comment: This sequence change creates a premature translational stop signal (p.Glu2134Valfs*13) in the NF1 gene. It is expected to result in an absent or disrupted protein product. Loss-of-function variants in NF1 are known to be pathogenic (PMID: 10712197, 23913538). This variant is not present in population databases (gnomAD no frequency). This premature translational stop signal has been observed in individual(s) with clinical features of NF1-related conditions (PMID: 34418705). ClinVar contains an entry for this variant (Variation ID: 2124503). For these reasons, this variant has been classified as Pathogenic.

Molecular Pathology, Peter Maccallum Cancer Centre
Classification: Pathogenic for Neurofibromatosis, type 1. Last evaluated: 2024-05-24. Review status: criteria provided, single submitter. Criteria: ACMG Guidelines, 2015. Collection method: clinical testing. Allele origin: germline. Inheritance: Autosomal dominant inheritance.

Literature cited by the submitters: PubMed 10712197 (cited by Labcorp Genetics (formerly Invitae), Labcorp); PubMed 23913538 (cited by Labcorp Genetics (formerly Invitae), Labcorp); PubMed 34418705 (cited by Labcorp Genetics (formerly Invitae), Labcorp).